The following is an entry in ClinVar:

NM_022460.4(HS1BP3):c.1143C>T (p.His381=)

Gene: HS1BP3 (HCLS1 binding protein 3; minus strand). Cytogenetic location: 2p24.1.
Variant type: single nucleotide variant.
Coding change: c.1143C>T on transcript NM_022460.4 (MANE Select); coding-DNA position 1143, C replaced by T.
Protein change: p.His381=; no amino-acid change (histidine 381 retained).
Molecular consequence: synonymous variant.
Genome position (GRCh38, 1-based): chr2:20,619,023, G>A on the plus strand (C>T on the coding strand, the complement: HS1BP3 is on the minus strand). VCF-style: chr2-20619023-G-A. GRCh37 (hg19) VCF-style: chr2-20818783-G-A.
Identifiers: ClinVar variation 4280965 (VCV004280965.7).

ClinVar aggregate classification (germline): Likely benign (1 of 4 stars; one submission).

gnomAD v4.1: 752 of 1,614,028 alleles (0.047%); highest among the groups gnomAD compares: Non-Finnish European, 0.059%; no homozygotes.

Submission:

CeGaT Center for Human Genetics Tuebingen
Classification: Likely benign. Last evaluated: 2025-09-01. Review status: criteria provided, single submitter. Criteria: CeGaT Center For Human Genetics Tuebingen Variant Classification Criteria Version 2. Collection method: clinical testing. Allele origin: germline. Affected: yes. Observed: 1 variant allele.
Comment: HS1BP3: BP4, BP7